The following is an entry in ClinVar:

NM_006517.5(SLC16A2):c.889C>A (p.Arg297Ser)

Gene: SLC16A2 (solute carrier family 16 member 2; plus strand). Cytogenetic location: Xq13.2.
Variant type: single nucleotide variant.
Coding change: c.889C>A on transcript NM_006517.5 (MANE Select); coding-DNA position 889, C replaced by A.
Protein change: p.Arg297Ser; replaces arginine 297 with serine.
Molecular consequence: missense variant.
Genome position (GRCh38, 1-based): chrX:74,524,672, C>A. VCF-style: chrX-74524672-C-A. GRCh37 (hg19) VCF-style: chrX-73744507-C-A.
Other names: short protein forms R297S.
Identifiers: ClinVar variation 449964 (VCV000449964.1), dbSNP rs1555989715, ClinGen allele CA413657505.

ClinVar aggregate classification (germline): Pathogenic (1 of 4 stars; one submission).

Submission:

GeneDx
Classification: Pathogenic. Last evaluated: 2017-09-22. Review status: criteria provided, single submitter. Criteria: GeneDx Variant Classification (06012015). Collection method: clinical testing. Allele origin: germline. Affected: yes.
Comment: The variant was maternally inherited (Ono et al., 2016). The R371S variant is not observed in large population cohorts (Lek et al., 2016). The R371S variant is a semi-conservative amino acid substitution, which may impact secondary protein structure as these residues differ in some properties. This substitution occurs at a position that is conserved across species. In silico analysis predicts this variant is probably damaging to the protein structure/function. Additionally, a missense variant at this same codon (R371C, also reported using alternate nomenclature as R445C) has been reported previously in association with Allan-Herndon-Dudley syndrome (Capri et al., 2013; Philips et al., 2014), supporting the functional importance of this region of the protein. We interpret R371S as a pathogenic variant.